The following is an entry in ClinVar:

ClinVar aggregate classification (germline): Uncertain significance (1 of 4 stars; one submission).

Conditions:
Hereditary cancer-predisposing syndrome. Also called: Neoplastic Syndromes, Hereditary; Hereditary Cancer Syndrome; Tumor predisposition; Hereditary neoplastic syndrome. Identifiers: Orphanet 140162, MedGen C0027672, MeSH D009386, MONDO:0015356.

Submission:

Ambry Genetics
Classification: Uncertain significance for Hereditary cancer-predisposing syndrome. Last evaluated: 2025-03-13. Review status: criteria provided, single submitter. Criteria: Ambry Variant Classification Scheme 2023. Collection method: clinical testing. Allele origin: germline.
Comment: The p.C141S variant (also known as c.421T>A), located in coding exon 4 of the ATM gene, results from a T to A substitution at nucleotide position 421. The cysteine at codon 141 is replaced by serine, an amino acid with dissimilar properties. This amino acid position is not well conserved in available vertebrate species. In addition, this alteration is predicted to be tolerated by in silico analysis. Based on the available evidence, the clinical significance of this variant remains unclear.

NM_000051.4(ATM):c.421T>A (p.Cys141Ser)

Gene: ATM (ATM serine/threonine kinase; plus strand). Cytogenetic location: 11q22.3.
Variant type: single nucleotide variant.
Coding change: c.421T>A on transcript NM_000051.4 (MANE Select); coding-DNA position 421, T replaced by A.
Protein change: p.Cys141Ser; replaces cysteine 141 with serine.
Molecular consequence: missense variant.
Genome position (GRCh38, 1-based): chr11:108,235,759, T>A. VCF-style: chr11-108235759-T-A. GRCh37 (hg19) VCF-style: chr11-108106486-T-A.
Other names: c.421T>A, p.Cys141Ser (NM_001351834.2); short protein forms C141S.
Identifiers: ClinVar variation 3803038 (VCV003803038.1).